The following is an entry in ClinVar:

NM_000344.4(SMN1):c.82-2548_723+515del

Gene: SMN1 (survival of motor neuron 1, telomeric). Cytogenetic location: 5q13.2.
Variant type: Deletion.
Coding change: c.82-2548_723+515del on transcript NM_000344.4 (MANE Select); 2548 bases into the intron before coding-DNA position 82 through 515 bases into the intron after coding-DNA position 723, this stretch deleted.
Molecular consequence: splice acceptor variant, splice donor variant.
Genome position: GRCh38: chr5:70,936,291-70,945,268. GRCh37 (hg19): chr5:70,232,118-70,241,095.
Other names: c.82-2548_723+515del (NM_001297715.1); c.82-2548_628-798del (NM_022874.2).
Identifiers: ClinVar variation 692109 (VCV000692109.3), ClinGen allele CA915943371.

ClinVar aggregate classification (germline): Pathogenic (1 of 4 stars; one submission).

Conditions:
Werdnig-Hoffmann disease (SMA1). Also called: HMN (Hereditary Motor Neuropathy) Proximal Type I; MUSCULAR ATROPHY, INFANTILE; SMA I; SMA, INFANTILE ACUTE FORM. Identifiers: Orphanet 83330, MedGen C5848259, MONDO:0009669, OMIM 253300. Disease mechanism: loss of function.

Submission:

Research Unit for Rare Diseases, 1st Faculty of Medicine, Charles University in Prague
Classification: Pathogenic for Werdnig-Hoffmann disease. Last evaluated: 2019-09-04. Review status: criteria provided, single submitter. Criteria: ACMG Guidelines, 2015. Collection method: research. Allele origin: paternal. Inheritance: Autosomal recessive inheritance. Affected: yes. Observed: 1 compound heterozygote.